The following is an entry in ClinVar:

ClinVar aggregate classification (germline): Uncertain significance. Review status: criteria provided, multiple submitters, no conflicts (2 of 4 stars). 3 submissions from 3 submitters: Uncertain significance (3). Last evaluated 2021-09-15.

Conditions:
Finnish congenital nephrotic syndrome (NPHS1). Also called: NEPHROTIC SYNDROME, TYPE 1. Identifiers: Orphanet 839, MedGen C0403399, MONDO:0009732, OMIM 256300.
Congenital nephrotic syndrome. Also called: Familial nephrotic syndrome. Identifiers: MedGen C3501848, MeSH C535761, MONDO:0002350, HP:0008677.

Allele frequency attached by ClinVar (database versions not stated): ExAC 0.00002; gnomAD 0.00003; gnomAD exomes 0.00004; TOPMed 0.00005; ESP Exome Variant Server 0.00008.
gnomAD v4.1: 91 of 1,614,014 alleles (0.0056%); highest among the groups gnomAD compares: Non-Finnish European, 0.0072%; no homozygotes.

Submissions (3):

Fulgent Genetics
Classification: Uncertain significance for Finnish congenital nephrotic syndrome. Last evaluated: 2021-09-15. Review status: criteria provided, single submitter. Criteria: ACMG Guidelines, 2015. Collection method: clinical testing. Allele origin: unknown.

Labcorp Genetics (formerly Invitae), Labcorp
Classification: Uncertain significance. Last evaluated: 2021-08-26. Review status: criteria provided, single submitter. Criteria: Invitae Variant Classification Sherloc (09022015). Collection method: clinical testing. Allele origin: germline.
Comment: This sequence change replaces arginine with serine at codon 972 of the NPHS1 protein (p.Arg972Ser). The arginine residue is weakly conserved and there is a moderate physicochemical difference between arginine and serine. This variant is present in population databases (rs374762054, ExAC 0.003%). This variant has not been reported in the literature in individuals affected with NPHS1-related conditions. ClinVar contains an entry for this variant (Variation ID: 328860). Algorithms developed to predict the effect of missense changes on protein structure and function output the following: SIFT: "Tolerated"; PolyPhen-2: "Benign"; Align-GVGD: "Class C0". The serine amino acid residue is found in multiple mammalian species, which suggests that this missense change does not adversely affect protein function. In summary, the available evidence is currently insufficient to determine the role of this variant in disease. Therefore, it has been classified as a Variant of Uncertain Significance.

Illumina Laboratory Services, Illumina
Classification: Uncertain significance for Congenital nephrotic syndrome. Last evaluated: 2018-01-13. Review status: criteria provided, single submitter. Criteria: ICSL Variant Classification Criteria 13 December 2019. Collection method: clinical testing. Allele origin: germline.

NM_004646.4(NPHS1):c.2916G>T (p.Arg972Ser)

Gene: NPHS1 (NPHS1 adhesion molecule, nephrin; minus strand). Cytogenetic location: 19q13.12.
Variant type: single nucleotide variant.
Coding change: c.2916G>T on transcript NM_004646.4 (MANE Select); coding-DNA position 2916, G replaced by T.
Protein change: p.Arg972Ser; replaces arginine 972 with serine.
Molecular consequence: missense variant.
Genome position (GRCh38, 1-based): chr19:35,839,507, C>A on the plus strand (G>T on the coding strand, the complement: NPHS1 is on the minus strand). VCF-style: chr19-35839507-C-A. GRCh37 (hg19) VCF-style: chr19-36330409-C-A.
Other names: short protein forms R972S.
Identifiers: ClinVar variation 328860 (VCV000328860.7), dbSNP rs374762054, ClinGen allele CA9389983.